The following is an entry in ClinVar:

NM_177438.3(DICER1):c.2323A>G (p.Met775Val)

Gene: DICER1 (dicer 1, ribonuclease III; minus strand). Cytogenetic location: 14q32.13.
Variant type: single nucleotide variant.
Coding change: c.2323A>G on transcript NM_177438.3 (MANE Select); coding-DNA position 2323, A replaced by G.
Protein change: p.Met775Val; replaces methionine 775 with valine.
Molecular consequence: missense variant. On other transcripts: non-coding transcript variant (6).
Genome position (GRCh38, 1-based): chr14:95,108,437, T>C on the plus strand (A>G on the coding strand, the complement: DICER1 is on the minus strand). VCF-style: chr14-95108437-T-C. GRCh37 (hg19) VCF-style: chr14-95574774-T-C.
Other names: c.2323A>G, p.Met775Val (NM_001195573.1, NM_001271282.3, NM_001291628.2 and 13 more transcripts); c.2041A>G, p.Met681Val (NM_001395686.1); c.1918A>G, p.Met640Val (NM_001395687.1, NM_001395688.1, NM_001395689.1 and 2 more transcripts); c.1756A>G, p.Met586Val (NM_001395691.1); c.640A>G, p.Met214Val (NM_001395697.1); short protein forms M681V, M775V, M214V, M640V, M586V.
Identifiers: ClinVar variation 2913149 (VCV002913149.5), dbSNP rs2542855531, ClinGen allele CA390882295.

ClinVar aggregate classification (germline): Uncertain significance. Review status: criteria provided, multiple submitters, no conflicts (2 of 4 stars). 3 submissions from 3 submitters: Uncertain significance (3). Last evaluated 2024-08-19.

Conditions:
Hereditary cancer-predisposing syndrome. Also called: Neoplastic Syndromes, Hereditary; Tumor predisposition; Hereditary neoplastic syndrome; Hereditary Cancer Syndrome. Identifiers: Orphanet 140162, MedGen C0027672, MeSH D009386, MONDO:0015356.
DICER1-related tumor predisposition. Also called: DICER1 syndrome; DICER1-related pleuropulmonary blastoma cancer predisposition syndrome. Identifiers: Orphanet 284343, MedGen C3839822, MONDO:0100216.

Submissions (3):

Ambry Genetics
Classification: Uncertain significance for Hereditary cancer-predisposing syndrome. Last evaluated: 2024-08-19. Review status: criteria provided, single submitter. Criteria: Ambry Variant Classification Scheme 2023. Collection method: clinical testing. Allele origin: germline.
Comment: The p.M775V variant (also known as c.2323A>G), located in coding exon 14 of the DICER1 gene, results from an A to G substitution at nucleotide position 2323. The methionine at codon 775 is replaced by valine, an amino acid with highly similar properties. This amino acid position is conserved. In addition, this alteration is predicted to be deleterious by in silico analysis. Based on the available evidence, the clinical significance of this variant remains unclear.

GeneDx
Classification: Uncertain significance. Last evaluated: 2024-04-05. Review status: criteria provided, single submitter. Criteria: GeneDx Variant Classification Process June 2021. Collection method: clinical testing. Allele origin: germline. Affected: yes.
Comment: Not observed at significant frequency in large population cohorts (gnomAD); In silico analysis supports that this missense variant has a deleterious effect on protein structure/function; Has not been previously published as pathogenic or benign to our knowledge

Labcorp Genetics (formerly Invitae), Labcorp
Classification: Uncertain significance for DICER1-related tumor predisposition. Last evaluated: 2023-07-03. Review status: criteria provided, single submitter. Criteria: Invitae Variant Classification Sherloc (09022015). Collection method: clinical testing. Allele origin: germline.
Comment: In summary, the available evidence is currently insufficient to determine the role of this variant in disease. Therefore, it has been classified as a Variant of Uncertain Significance. Advanced modeling of protein sequence and biophysical properties (such as structural, functional, and spatial information, amino acid conservation, physicochemical variation, residue mobility, and thermodynamic stability) has been performed at Invitae for this missense variant, however the output from this modeling did not meet the statistical confidence thresholds required to predict the impact of this variant on DICER1 protein function. This variant has not been reported in the literature in individuals affected with DICER1-related conditions. This variant is not present in population databases (gnomAD no frequency). This sequence change replaces methionine, which is neutral and non-polar, with valine, which is neutral and non-polar, at codon 775 of the DICER1 protein (p.Met775Val).